The following is an entry in ClinVar:

NM_000018.4(ACADVL):c.1147C>A (p.Leu383Met)

Gene: ACADVL (acyl-CoA dehydrogenase very long chain; plus strand). Cytogenetic location: 17p13.1.
Variant type: single nucleotide variant.
Coding change: c.1147C>A on transcript NM_000018.4 (MANE Select); coding-DNA position 1147, C replaced by A.
Protein change: p.Leu383Met; replaces leucine 383 with methionine.
Molecular consequence: missense variant.
Genome position (GRCh38, 1-based): chr17:7,223,202, C>A. VCF-style: chr17-7223202-C-A. GRCh37 (hg19) VCF-style: chr17-7126521-C-A.
Other names: c.1081C>A, p.Leu361Met (NM_001033859.3); c.1216C>A, p.Leu406Met (NM_001270447.2); c.919C>A, p.Leu307Met (NM_001270448.2); short protein forms L307M, L361M, L383M, L406M.
Identifiers: ClinVar variation 1925132 (VCV001925132.2), dbSNP rs756194870, ClinGen allele CA397724457.
Genomic context (GRCh38, chr17:7,223,202, plus strand): 5'-GCCACTAATCGTACCCAGTTTGGGGAGAAAATTCACAACTTTGGGCTGATCCAGGAGAAG[C>A]TGGCACGGATGGTTATGCTGCAGTATGTAACTGAGGTGAGGGCCTCCCAAGCCCCTCTCC-3'
Protein context (NP_000009.1, residues 373-393): IHNFGLIQEK[Leu383Met]ARMVMLQYVT

ClinVar aggregate classification (germline): Uncertain significance (1 of 4 stars; one submission).

Conditions:
Very long chain acyl-CoA dehydrogenase deficiency (ACADVLD). Also called: VLCAD Deficiency; Very Long-Chain Acyl-Coenzyme A Dehydrogenase Deficiency. Identifiers: Orphanet 26793, MedGen C3887523, MONDO:0008723, OMIM 201475.

Submission:

Labcorp Genetics (formerly Invitae), Labcorp
Classification: Uncertain significance for Very long chain acyl-CoA dehydrogenase deficiency. Last evaluated: 2022-07-19. Review status: criteria provided, single submitter. Criteria: Invitae Variant Classification Sherloc (09022015). Collection method: clinical testing. Allele origin: germline.
Comment: This sequence change replaces leucine, which is neutral and non-polar, with methionine, which is neutral and non-polar, at codon 383 of the ACADVL protein (p.Leu383Met). This variant is present in population databases (no rsID available, gnomAD 0.003%). This variant has not been reported in the literature in individuals affected with ACADVL-related conditions. Algorithms developed to predict the effect of missense changes on protein structure and function are either unavailable or do not agree on the potential impact of this missense change (SIFT: "Deleterious"; PolyPhen-2: "Possibly Damaging"; Align-GVGD: "Class C0"). In summary, the available evidence is currently insufficient to determine the role of this variant in disease. Therefore, it has been classified as a Variant of Uncertain Significance.